The following is an entry in ClinVar:

NM_001358530.2(MOCS1):c.649A>T (p.Asn217Tyr)

Gene: MOCS1 (molybdenum cofactor synthesis 1; minus strand). Cytogenetic location: 6p21.2.
Variant type: single nucleotide variant.
Coding change: c.649A>T on transcript NM_001358530.2 (MANE Select); coding-DNA position 649, A replaced by T.
Protein change: p.Asn217Tyr; replaces asparagine 217 with tyrosine.
Molecular consequence: missense variant. On other transcripts: non-coding transcript variant (1).
Genome position (GRCh38, 1-based): chr6:39,913,425, T>A on the plus strand (A>T on the coding strand, the complement: MOCS1 is on the minus strand). VCF-style: chr6-39913425-T-A. GRCh37 (hg19) VCF-style: chr6-39881169-T-A.
Other names: c.649A>T (NM_005943.5); c.649A>T, p.Asn217Tyr (NM_001075098.4, NM_001358529.2, NM_005943.6); c.388A>T, p.Asn130Tyr (NM_001358531.2, NM_001358533.2, NM_001358534.2); short protein forms N130Y, N217Y.
Identifiers: ClinVar variation 1437015 (VCV001437015.10), dbSNP rs1157838581, ClinGen allele CA364044082.

ClinVar aggregate classification (germline): Conflicting classifications of pathogenicity. Review status: criteria provided, conflicting classifications (1 of 4 stars). 4 submissions from 4 submitters: Likely pathogenic (1); Uncertain significance (3). Last evaluated 2026-04-01.

Conditions:
Sulfite oxidase deficiency due to molybdenum cofactor deficiency type A. Also called: Molybdenum cofactor deficiency, complementation group A; Molybdenum Cofactor Deficiency A. Identifiers: Orphanet 308386, Orphanet 833, MedGen C1854988, MONDO:0009643, OMIM 252150.

Allele frequency attached by ClinVar (database versions not stated): gnomAD exomes below 0.00001 and 0.00001.
gnomAD v4.1: 12 of 1,614,002 alleles (0.00074%); highest among the groups gnomAD compares: Non-Finnish European, 0.001%; no homozygotes.

Submissions (4):

Department of Genetics, Sultan Qaboos University Hospital
Classification: Likely pathogenic for Sulfite oxidase deficiency due to molybdenum cofactor deficiency type A. Last evaluated: 2026-04-01. Review status: criteria provided, single submitter. Criteria: ACMG Guidelines, 2015. Collection method: clinical testing. Allele origin: germline. Affected: yes. Observed: 1 variant allele.
Comment: PM2_Supporting, PP3_Supporting, PP1_Strong, PP4_Supporting

Fulgent Genetics
Classification: Uncertain significance for Sulfite oxidase deficiency due to molybdenum cofactor deficiency type A. Last evaluated: 2024-06-12. Review status: criteria provided, single submitter. Criteria: ACMG Guidelines, 2015. Collection method: clinical testing. Allele origin: germline.

Labcorp Genetics (formerly Invitae), Labcorp
Classification: Uncertain significance for Sulfite oxidase deficiency due to molybdenum cofactor deficiency type A. Last evaluated: 2022-06-11. Review status: criteria provided, single submitter. Criteria: Invitae Variant Classification Sherloc (09022015). Collection method: clinical testing. Allele origin: germline.
Comment: In summary, the available evidence is currently insufficient to determine the role of this variant in disease. Therefore, it has been classified as a Variant of Uncertain Significance. Algorithms developed to predict the effect of missense changes on protein structure and function are either unavailable or do not agree on the potential impact of this missense change (SIFT: "Not Available"; PolyPhen-2: "Probably Damaging"; Align-GVGD: "Not Available"). This variant has not been reported in the literature in individuals affected with MOCS1-related conditions. This variant is present in population databases (no rsID available, gnomAD 0.0009%). This sequence change replaces asparagine, which is neutral and polar, with tyrosine, which is neutral and polar, at codon 217 of the MOCS1 protein (p.Asn217Tyr).

Revvity Omics, Revvity
Classification: Uncertain significance for Sulfite oxidase deficiency due to molybdenum cofactor deficiency type A. Last evaluated: 2022-04-19. Review status: criteria provided, single submitter. Criteria: ACMG Guidelines, 2015. Collection method: clinical testing. Allele origin: germline.